The following is an entry in ClinVar:

ClinVar aggregate classification (germline): Uncertain significance (1 of 4 stars; one submission).

Conditions:
Beckwith-Wiedemann syndrome (BWS). Also called: Exomphalos macroglossia gigantism syndrome; EMG SYNDROME. Identifiers: Orphanet 116, MedGen C0004903, MONDO:0007534, OMIM 130650.

Submission:

Labcorp Genetics (formerly Invitae), Labcorp
Classification: Uncertain significance for Beckwith-Wiedemann syndrome. Last evaluated: 2020-11-12. Review status: criteria provided, single submitter. Criteria: Invitae Variant Classification Sherloc (09022015). Collection method: clinical testing. Allele origin: germline.
Comment: Algorithms developed to predict the effect of missense changes on protein structure and function are either unavailable or do not agree on the potential impact of this missense change (SIFT: "Deleterious"; PolyPhen-2: "Benign"; Align-GVGD: "Class C0"). This variant has not been reported in the literature in individuals with CDKN1C-related conditions. In summary, the available evidence is currently insufficient to determine the role of this variant in disease. Therefore, it has been classified as a Variant of Uncertain Significance. This variant is not present in population databases (ExAC no frequency). This sequence change replaces serine with phenylalanine at codon 268 of the CDKN1C protein (p.Ser268Phe). The serine residue is moderately conserved and there is a large physicochemical difference between serine and phenylalanine.

NM_001122630.2(CDKN1C):c.770C>T (p.Ser257Phe)

Gene: CDKN1C (cyclin dependent kinase inhibitor 1C; minus strand). Cytogenetic location: 11p15.4.
Variant type: single nucleotide variant.
Coding change: c.770C>T on transcript NM_001122630.2 (MANE Select); coding-DNA position 770, C replaced by T.
Protein change: p.Ser257Phe; replaces serine 257 with phenylalanine.
Molecular consequence: missense variant. On other transcripts: intron variant (1).
Genome position (GRCh38, 1-based): chr11:2,884,687, G>A on the plus strand (C>T on the coding strand, the complement: CDKN1C is on the minus strand). VCF-style: chr11-2884687-G-A. GRCh37 (hg19) VCF-style: chr11-2905917-G-A.
Other names: c.803C>T, p.Ser268Phe (NM_000076.2, NM_001362474.2); c.770C>T, p.Ser257Phe (NM_001122631.2); c.255+515C>T (NM_001362475.2); short protein forms S268F, S257F.
Identifiers: ClinVar variation 1468409 (VCV001468409.8), dbSNP rs2133781980, ClinGen allele CA379145545.